The following is an entry in ClinVar:

NM_006206.6(PDGFRA):c.211A>T (p.Ile71Phe)

Gene: PDGFRA (platelet derived growth factor receptor alpha; plus strand). Cytogenetic location: 4q12.
Variant type: single nucleotide variant.
Coding change: c.211A>T on transcript NM_006206.6 (MANE Select); coding-DNA position 211, A replaced by T.
Protein change: p.Ile71Phe; replaces isoleucine 71 with phenylalanine.
Molecular consequence: missense variant.
Genome position (GRCh38, 1-based): chr4:54,261,256, A>T. VCF-style: chr4-54261256-A-T. GRCh37 (hg19) VCF-style: chr4-55127423-A-T.
Other names: c.211A>T, p.Ile71Phe (NM_001347827.2, NM_001347829.2); c.286A>T, p.Ile96Phe (NM_001347828.2); c.250A>T, p.Ile84Phe (NM_001347830.2); short protein forms I71F, I84F, I96F.
Identifiers: ClinVar variation 528555 (VCV000528555.12), dbSNP rs1553902408, ClinGen allele CA356888500.

ClinVar aggregate classification (germline): Conflicting classifications of pathogenicity. Review status: criteria provided, conflicting classifications (1 of 4 stars). 2 submissions from 2 submitters: Uncertain significance (1); Likely benign (1). Last evaluated 2026-02-06.

Conditions:
Hereditary cancer-predisposing syndrome. Also called: Tumor predisposition; Hereditary neoplastic syndrome; Hereditary Cancer Syndrome; Neoplastic Syndromes, Hereditary. Identifiers: Orphanet 140162, MedGen C0027672, MeSH D009386, MONDO:0015356.
Gastrointestinal stromal tumor. Also called: Gastrointestinal stroma tumor; Gastrointestinal stromal tumor, somatic. Identifiers: Orphanet 44890, MedGen C0238198, MeSH D046152, MONDO:0011719, OMIM 606764, HP:0100723.

Submissions (2):

Ambry Genetics
Classification: Likely benign for Hereditary cancer-predisposing syndrome. Last evaluated: 2026-02-06. Review status: criteria provided, single submitter. Criteria: Ambry Variant Classification Scheme 2023. Collection method: clinical testing. Allele origin: germline.

Labcorp Genetics (formerly Invitae), Labcorp
Classification: Uncertain significance for Gastrointestinal stromal tumor. Last evaluated: 2022-01-15. Review status: criteria provided, single submitter. Criteria: Invitae Variant Classification Sherloc (09022015). Collection method: clinical testing. Allele origin: germline.
Comment: In summary, the available evidence is currently insufficient to determine the role of this variant in disease. Therefore, it has been classified as a Variant of Uncertain Significance. Algorithms developed to predict the effect of missense changes on protein structure and function are either unavailable or do not agree on the potential impact of this missense change (SIFT: "Tolerated"; PolyPhen-2: "Possibly Damaging"; Align-GVGD: "Class C0"). ClinVar contains an entry for this variant (Variation ID: 528555). This variant has not been reported in the literature in individuals affected with PDGFRA-related conditions. This variant is not present in population databases (gnomAD no frequency). This sequence change replaces isoleucine, which is neutral and non-polar, with phenylalanine, which is neutral and non-polar, at codon 71 of the PDGFRA protein (p.Ile71Phe).